The following is an entry in ClinVar:

ClinVar aggregate classification (germline): Benign/Likely benign. Review status: criteria provided, multiple submitters, no conflicts (2 of 4 stars). 6 submissions from 6 submitters: Benign (3); Likely benign (1). 2 of the submissions do not count toward it. Last evaluated 2026-02-01.

Conditions:
Bethlem myopathy 1A. Also called: Bethlem myopathy 1; Bethlem Muscular Dystrophy; MYOPATHY, BENIGN CONGENITAL, WITH CONTRACTURES. Identifiers: Orphanet 610, MedGen CN029274, MONDO:0024530, OMIM 158810.

Submissions (6):

Labcorp Genetics (formerly Invitae), Labcorp
Classification: Benign for Bethlem myopathy 1A. Last evaluated: 2026-02-01. Review status: criteria provided, single submitter. Criteria: Invitae Variant Classification Sherloc (09022015). Collection method: clinical testing. Allele origin: germline.

GeneDx
Classification: Benign. Last evaluated: 2016-03-01. Review status: criteria provided, single submitter. Criteria: GeneDx Variant Classification (06012015). Collection method: clinical testing. Allele origin: germline. Affected: yes.
Comment: This variant is considered likely benign or benign based on one or more of the following criteria: it is a conservative change, it occurs at a poorly conserved position in the protein, it is predicted to be benign by multiple in silico algorithms, and/or has population frequency not consistent with disease.

Eurofins Ntd Llc (ga)
Classification: Benign. Last evaluated: 2012-11-02. Review status: criteria provided, single submitter. Criteria: EGL Classification Definitions 2015. Collection method: clinical testing. Allele origin: germline. Observed: 4 variant alleles, 4 heterozygotes.

PreventionGenetics, part of Exact Sciences
Classification: Likely benign. Review status: criteria provided, single submitter. Criteria: ACMG Guidelines, 2015. Collection method: clinical testing. Allele origin: germline.

Clinical Genetics, Academic Medical Center
Classification: Benign. Review status: no assertion criteria provided. Collection method: clinical testing. Allele origin: germline. Affected: yes. Study: VKGL Data-share Consensus. Not counted in ClinVar's aggregate classification.

Laboratory of Diagnostic Genome Analysis, Leiden University Medical Center (LUMC)
Classification: Likely benign. Review status: no assertion criteria provided. Collection method: clinical testing. Allele origin: germline. Affected: yes. Study: VKGL Data-share Consensus. Not counted in ClinVar's aggregate classification.

NM_001849.4(COL6A2):c.1816+18del

Gene: COL6A2 (collagen type VI alpha 2 chain; plus strand). Cytogenetic location: 21q22.3.
Variant type: Deletion.
Coding change: c.1816+18del on transcript NM_001849.4 (MANE Select); 18 bases into the intron after coding-DNA position 1816, one base deleted (G; older notation c.1816+18delG).
Molecular consequence: intron variant.
Genome position (GRCh38, 1-based): chr21:46,125,329, G deleted; the last of 2 consecutive G bases (chr21:46,125,328-46,125,329); deleting either gives the same sequence. VCF-style (leftmost placement, unchanged base first): chr21-46125327-CG-C. GRCh37 (hg19) VCF-style: chr21-47545241-CG-C.
Other names: c.1816+18del (NM_058175.3, NM_058174.3); c.1816+18delG (NM_001849.3).
Identifiers: ClinVar variation 93923 (VCV000093923.17), dbSNP rs150275851, ClinGen allele CA147449.
Genomic context (GRCh38, chr21:46,125,327, plus strand): 5'-AGTGTGACGTCATGACCTACGTGAGGGAGACCTGCGGGTGCTGCGGTGAGGCACTGCCCA[CG>C]GCAGGGTCGGGGCCCATGCACCGGGTGGAGGGCGGGAGTGCAGCAGGGCTGGGTCATCGC-3'